The following is an entry in ClinVar:

ClinVar aggregate classification (germline): Uncertain significance (1 of 4 stars; one submission).

Conditions:
Hereditary spastic paraplegia 4. Also called: Familial spastic paraplegia autosomal dominant 2; Spastic paraplegia 4, autosomal dominant; Spastic Paraplegia 4. Identifiers: Orphanet 100985, MedGen C1866855, MONDO:0008438, OMIM 182601.

Submission:

Labcorp Genetics (formerly Invitae), Labcorp
Classification: Uncertain significance for Hereditary spastic paraplegia 4. Last evaluated: 2020-07-13. Review status: criteria provided, single submitter. Criteria: Invitae Variant Classification Sherloc (09022015). Collection method: clinical testing. Allele origin: germline.
Comment: In summary, the available evidence is currently insufficient to determine the role of this variant in disease. Therefore, it has been classified as a Variant of Uncertain Significance. Algorithms developed to predict the effect of missense changes on protein structure and function are either unavailable or do not agree on the potential impact of this missense change (SIFT: "Deleterious"; PolyPhen-2: "Probably Damaging"; Align-GVGD: "Class C0"). This missense change has been observed in individual(s) with clinical features of hereditary spastic paraplegia (PMID: 20562464). This variant is not present in population databases (ExAC no frequency). This sequence change replaces leucine with phenylalanine at codon 422 of the SPAST protein (p.Leu422Phe). The leucine residue is highly conserved and there is a small physicochemical difference between leucine and phenylalanine.

Literature cited by the submitters: PubMed 20562464.

NM_014946.4(SPAST):c.1266G>T (p.Leu422Phe)

Gene: SPAST (spastin; plus strand). Cytogenetic location: 2p22.3.
Variant type: single nucleotide variant.
Coding change: c.1266G>T on transcript NM_014946.4 (MANE Select); coding-DNA position 1266, G replaced by T.
Protein change: p.Leu422Phe; replaces leucine 422 with phenylalanine.
Molecular consequence: missense variant.
Genome position (GRCh38, 1-based): chr2:32,136,583, G>T. VCF-style: chr2-32136583-G-T. GRCh37 (hg19) VCF-style: chr2-32361652-G-T.
Other names: c.1263G>T, p.Leu421Phe (NM_001363823.2); c.1167G>T, p.Leu389Phe (NM_001363875.2); c.1170G>T, p.Leu390Phe (NM_001377959.1, NM_199436.2); short protein forms L389F, L390F, L421F, L422F.
Identifiers: ClinVar variation 1003733 (VCV001003733.8), dbSNP rs1679543653, ClinGen allele CA346502027.